The following is an entry in ClinVar:

NM_005271.5(GLUD1):c.778A>G (p.Ile260Val)

Gene: GLUD1 (glutamate dehydrogenase 1; minus strand). Cytogenetic location: 10q23.2.
Variant type: single nucleotide variant.
Coding change: c.778A>G on transcript NM_005271.5 (MANE Select); coding-DNA position 778, A replaced by G.
Protein change: p.Ile260Val; replaces isoleucine 260 with valine.
Molecular consequence: missense variant.
Genome position (GRCh38, 1-based): chr10:87,062,799, T>C on the plus strand (A>G on the coding strand, the complement: GLUD1 is on the minus strand). VCF-style: chr10-87062799-T-C. GRCh37 (hg19) VCF-style: chr10-88822556-T-C.
Other names: c.379A>G, p.Ile127Val (NM_001318900.1); c.277A>G, p.Ile93Val (NM_001318901.1, NM_001318902.1, NM_001318904.2 and 2 more transcripts); short protein forms I260V, I93V, I127V.
Identifiers: ClinVar variation 3663293 (VCV003663293.2).

ClinVar aggregate classification (germline): Uncertain significance (1 of 4 stars; one submission).

Conditions:
Hyperinsulinism-hyperammonemia syndrome (HHF6). Identifiers: Orphanet 35878, MedGen C1847555, MONDO:0011717, OMIM 606762.

gnomAD v4.1: 1 of 1,614,172 alleles (0.000062%); highest among the groups gnomAD compares: Non-Finnish European, 0.000085%; no homozygotes.

Submission:

Labcorp Genetics (formerly Invitae), Labcorp
Classification: Uncertain significance for Hyperinsulinism-hyperammonemia syndrome. Last evaluated: 2024-08-22. Review status: criteria provided, single submitter. Criteria: Invitae Variant Classification Sherloc (09022015). Collection method: clinical testing. Allele origin: germline.
Comment: This sequence change replaces isoleucine, which is neutral and non-polar, with valine, which is neutral and non-polar, at codon 260 of the GLUD1 protein (p.Ile260Val). This variant is not present in population databases (gnomAD no frequency). This variant has not been reported in the literature in individuals affected with GLUD1-related conditions. Invitae Evidence Modeling of protein sequence and biophysical properties (such as structural, functional, and spatial information, amino acid conservation, physicochemical variation, residue mobility, and thermodynamic stability) indicates that this missense variant is not expected to disrupt GLUD1 protein function with a negative predictive value of 80%. In summary, the available evidence is currently insufficient to determine the role of this variant in disease. Therefore, it has been classified as a Variant of Uncertain Significance.